The following is an entry in ClinVar:

NM_015338.6(ASXL1):c.3401C>A (p.Pro1134Gln)

Gene: ASXL1 (ASXL transcriptional regulator 1; plus strand). Cytogenetic location: 20q11.21.
Variant type: single nucleotide variant.
Coding change: c.3401C>A on transcript NM_015338.6 (MANE Select); coding-DNA position 3401, C replaced by A.
Protein change: p.Pro1134Gln; replaces proline 1134 with glutamine.
Molecular consequence: missense variant.
Genome position (GRCh38, 1-based): chr20:32,436,113, C>A. VCF-style: chr20-32436113-C-A. GRCh37 (hg19) VCF-style: chr20-31023916-C-A.
Other names: c.3218C>A, p.Pro1073Gln (NM_001363734.1); short protein forms P1134Q, P1073Q.
Identifiers: ClinVar variation 4157709 (VCV004157709.1).

ClinVar aggregate classification (germline): Uncertain significance (1 of 4 stars; one submission).

Conditions:
Inborn genetic diseases. Identifiers: MedGen C0950123, MeSH D030342.

Submission:

Ambry Genetics
Classification: Uncertain significance for Inborn genetic diseases. Last evaluated: 2025-06-19. Review status: criteria provided, single submitter. Criteria: Ambry Variant Classification Scheme 2023. Collection method: clinical testing. Allele origin: germline.
Comment: The p.P1134Q variant (also known as c.3401C>A), located in coding exon 13 of the ASXL1 gene, results from a C to A substitution at nucleotide position 3401. The proline at codon 1134 is replaced by glutamine, an amino acid with similar properties. This amino acid position is conserved. In addition, this alteration is predicted to be tolerated by in silico analysis. Based on the available evidence, the clinical significance of this variant remains unclear.